The following is an entry in ClinVar:

NM_006494.4(ERF):c.830A>G (p.Tyr277Cys)

Gene: ERF (ETS2 repressor factor; minus strand). Cytogenetic location: 19q13.2.
Variant type: single nucleotide variant.
Coding change: c.830A>G on transcript NM_006494.4 (MANE Select); coding-DNA position 830, A replaced by G.
Protein change: p.Tyr277Cys; replaces tyrosine 277 with cysteine.
Molecular consequence: missense variant.
Genome position (GRCh38, 1-based): chr19:42,249,282, T>C on the plus strand (A>G on the coding strand, the complement: ERF is on the minus strand). VCF-style: chr19-42249282-T-C. GRCh37 (hg19) VCF-style: chr19-42753434-T-C.
Other names: c.605A>G, p.Tyr202Cys (NM_001301035.2, NM_001308402.2, NM_001312656.2); short protein forms Y202C, Y277C.
Identifiers: ClinVar variation 1061160 (VCV001061160.9), dbSNP rs753014847, ClinGen allele CA9471321.

ClinVar aggregate classification (germline): Uncertain significance (1 of 4 stars; one submission).

Conditions:
TWIST1-related craniosynostosis (CRS1). Also called: CRANIOSYNOSTOSIS 1. Identifiers: Orphanet 63440, MedGen C4551902, MONDO:0007399, OMIM 123100. Inheritance: Heterogenous inheritance pattern.

Allele frequency attached by ClinVar (database versions not stated): TOPMed below 0.00001; gnomAD exomes 0.00002 and 0.00003; ExAC 0.00003.
gnomAD v4.1: 41 of 1,606,042 alleles (0.0026%); highest among the groups gnomAD compares: Non-Finnish European, 0.0031%; no homozygotes.

Submission:

Labcorp Genetics (formerly Invitae), Labcorp
Classification: Uncertain significance for TWIST1-related craniosynostosis. Last evaluated: 2020-12-21. Review status: criteria provided, single submitter. Criteria: Invitae Variant Classification Sherloc (09022015). Collection method: clinical testing. Allele origin: germline.
Comment: This sequence change replaces tyrosine with cysteine at codon 277 of the ERF protein (p.Tyr277Cys). The tyrosine residue is highly conserved and there is a large physicochemical difference between tyrosine and cysteine. In summary, the available evidence is currently insufficient to determine the role of this variant in disease. Therefore, it has been classified as a Variant of Uncertain Significance. Algorithms developed to predict the effect of missense changes on protein structure and function (SIFT, PolyPhen-2, Align-GVGD) all suggest that this variant is likely to be disruptive, but these predictions have not been confirmed by published functional studies and their clinical significance is uncertain. This variant has been observed in one or more individuals who were not affected with ERF-related conditions (Invitae). This variant is present in population databases (rs753014847, ExAC 0.005%).